The following is an entry in ClinVar:

ClinVar aggregate classification (germline): Pathogenic/Likely pathogenic. Review status: criteria provided, multiple submitters, no conflicts (2 of 4 stars). 5 submissions from 5 submitters: Pathogenic (3); Likely pathogenic (1). 1 of the submissions does not count toward it. Last evaluated 2025-01-28.

Conditions:
Overhydrated hereditary stomatocytosis. Identifiers: Orphanet 3203, MedGen C1861455, MONDO:0008493, OMIM 185000.
Rh-null, regulator type (RHNR). Also called: Rh-null hemolytic anemia, regulator type. Identifiers: MedGen C1849387, OMIM 268150.
RHAG-related disorder. Also called: RHAG-related condition.

Allele frequency attached by ClinVar (database versions not stated): ExAC 0.00003; gnomAD exomes 0.00003 and 0.00013; TOPMed 0.00003; gnomAD 0.00004 and 0.00005; ESP Exome Variant Server 0.00008.

Submissions (5):

Mayo Clinic Laboratories, Mayo Clinic
Classification: Likely pathogenic. Last evaluated: 2025-01-28. Review status: criteria provided, single submitter. Criteria: ACMG Guidelines, 2015. Collection method: clinical testing. Allele origin: germline. Observed: 1 variant allele.
Comment: PM2_supporting, PM3_supporting, PVS1

Fulgent Genetics
Classification: Pathogenic for Overhydrated hereditary stomatocytosis; Rh-null, regulator type. Last evaluated: 2024-03-26. Review status: criteria provided, single submitter. Criteria: ACMG Guidelines, 2015. Collection method: clinical testing. Allele origin: germline.

Revvity Omics, Revvity
Classification: Pathogenic. Last evaluated: 2024-02-21. Review status: criteria provided, single submitter. Criteria: ACMG Guidelines, 2015. Collection method: clinical testing. Allele origin: germline.

PreventionGenetics, part of Exact Sciences
Classification: Pathogenic for RHAG-related condition. Last evaluated: 2023-01-13. Review status: criteria provided, single submitter. Criteria: ACMG Guidelines, 2015. Collection method: clinical testing. Allele origin: germline.
Comment: The RHAG c.157+1G>A variant is predicted to disrupt the GT donor site and interfere with normal splicing. This variant was reported in the compound heterozygous state in a patient with Rh-deficiency syndrome, with functional studies indicating it disrupted normal splicing (Huang et al 1998. PubMed ID: 9716608). This variant is reported in 0.0062% of alleles in individuals of European (Non-Finnish) descent in gnomAD. Variants that disrupt the consensus splice donor site in RHAG are expected to be pathogenic. This variant is interpreted as pathogenic.

OMIM
Classification: Pathogenic for RH-NULL, REGULATOR TYPE. Last evaluated: 1998-10-01. Review status: no assertion criteria provided. Collection method: literature only. Allele origin: germline. Not counted in ClinVar's aggregate classification.

Literature cited by the submitters: PubMed 28470789 (cited by Mayo Clinic Laboratories, Mayo Clinic); PubMed 9716608 (cited by Mayo Clinic Laboratories, Mayo Clinic); Huang, C.-H. The human Rh50 glycoprotein gene: structural organization and associated splicing defect resulting in Rh-null disease. J. Biol. Chem. 273: 2207-2213, 1998. (cited by OMIM); Cherif-Zahar, B., Matassi, G., Raynal, V., Gane, P., Delaunay, J., Arrizabalaga, B., Cartron, J.-P. Rh-deficiency of the regulator type caused by splicing mutations in the human RH50 gene. Blood 92: 2535-2540, 1998. (cited by OMIM).

NM_000324.3(RHAG):c.157+1G>A

Gene: RHAG (Rh associated glycoprotein; minus strand). Cytogenetic location: 6p12.3.
Variant type: single nucleotide variant.
Coding change: c.157+1G>A on transcript NM_000324.3 (MANE Select); the canonical splice donor site of the intron after coding-DNA position 157, G replaced by A.
Molecular consequence: splice donor variant.
Genome position (GRCh38, 1-based): chr6:49,636,655, C>T on the plus strand (G>A on the coding strand, the complement: RHAG is on the minus strand). VCF-style: chr6-49636655-C-T. GRCh37 (hg19) VCF-style: chr6-49604368-C-T.
Other names: p.?; IVS1, G-A, +1.
Identifiers: ClinVar variation 13061 (VCV000013061.6), dbSNP rs375508949, ClinGen allele CA3847998.